The following is an entry in ClinVar:

ClinVar aggregate classification (germline): Uncertain significance (1 of 4 stars; one submission).

gnomAD v4.1: 67 of 1,613,392 alleles (0.0042%); highest among the groups gnomAD compares: Non-Finnish European, 0.00034%; no homozygotes.

Submission:

Labcorp Genetics (formerly Invitae), Labcorp
Classification: Uncertain significance. Last evaluated: 2025-07-21. Review status: criteria provided, single submitter. Criteria: Invitae Variant Classification Sherloc (09022015). Collection method: clinical testing. Allele origin: germline.
Comment: This sequence change replaces glycine, which is neutral and non-polar, with serine, which is neutral and polar, at codon 70 of the BICC1 protein (p.Gly70Ser). This variant is present in population databases (rs764080656, gnomAD 0.1%), and has an allele count higher than expected for a pathogenic variant. This variant has not been reported in the literature in individuals affected with BICC1-related conditions. An algorithm developed to predict the effect of missense changes on protein structure and function (PolyPhen-2) suggests that this variant is likely to be tolerated. In summary, the available evidence is currently insufficient to determine the role of this variant in disease. Therefore, it has been classified as a Variant of Uncertain Significance.

NM_001080512.3(BICC1):c.208G>A (p.Gly70Ser)

Gene: BICC1 (BicC family RNA binding protein 1; plus strand). Cytogenetic location: 10q21.1.
Variant type: single nucleotide variant.
Coding change: c.208G>A on transcript NM_001080512.3 (MANE Select); coding-DNA position 208, G replaced by A.
Protein change: p.Gly70Ser; replaces glycine 70 with serine.
Molecular consequence: missense variant.
Genome position (GRCh38, 1-based): chr10:58,620,872, G>A. VCF-style: chr10-58620872-G-A. GRCh37 (hg19) VCF-style: chr10-60380632-G-A.
Other names: short protein forms G70S.
Identifiers: ClinVar variation 4750731 (VCV004750731.1).